The following is an entry in ClinVar:

ClinVar aggregate classification (germline): Likely benign (0 of 4 stars; one submission).

Conditions:
MASTL-related disorder. Also called: MASTL-related condition.

Allele frequency attached by ClinVar (database versions not stated): gnomAD exomes 0.00001; TOPMed 0.00002; gnomAD 0.00003; ExAC 0.00005.
gnomAD v4.1: 27 of 1,613,190 alleles (0.0017%); highest among the groups gnomAD compares: Non-Finnish European, 0.002%; no homozygotes.

Submission:

PreventionGenetics, part of Exact Sciences
Classification: Likely benign for MASTL-related condition. Last evaluated: 2021-11-23. Review status: no assertion criteria provided. Collection method: clinical testing. Allele origin: germline.
Comment: This variant is classified as likely benign based on ACMG/AMP sequence variant interpretation guidelines (Richards et al. 2015 PMID: 25741868, with internal and published modifications).

NM_001172303.3(MASTL):c.495T>C (p.Ser165=)

Gene: MASTL (microtubule associated serine/threonine kinase like; plus strand). Cytogenetic location: 10p12.1.
Variant type: single nucleotide variant.
Coding change: c.495T>C on transcript NM_001172303.3 (MANE Select); coding-DNA position 495, T replaced by C.
Protein change: p.Ser165=; no amino-acid change (serine 165 retained).
Molecular consequence: synonymous variant. On other transcripts: non-coding transcript variant (1).
Genome position (GRCh38, 1-based): chr10:27,161,124, T>C. VCF-style: chr10-27161124-T-C. GRCh37 (hg19) VCF-style: chr10-27450053-T-C.
Other names: c.495T>C, p.Ser165= (NM_001172304.3, NM_001320756.2, NM_001320757.2 and 1 more transcripts); c.12T>C, p.Ser4= (NM_001372029.1, NM_001372030.1).
Identifiers: ClinVar variation 3061512 (VCV003061512.2), dbSNP rs746804927, ClinGen allele CA5449989.